The following is an entry in ClinVar:

NM_144997.7(FLCN):c.396+8T>G

Gene: FLCN (folliculin; minus strand). Cytogenetic location: 17p11.2.
Variant type: single nucleotide variant.
Coding change: c.396+8T>G on transcript NM_144997.7 (MANE Select); 8 bases into the intron after coding-DNA position 396, T replaced by G.
Molecular consequence: intron variant.
Genome position (GRCh38, 1-based): chr17:17,226,168, A>C on the plus strand (T>G on the coding strand, the complement: FLCN is on the minus strand). VCF-style: chr17-17226168-A-C. GRCh37 (hg19) VCF-style: chr17-17129482-A-C.
Other names: c.396+8T>G (NM_001353231.2, NM_001353230.2, NM_001353229.2 and 1 more transcripts).
Identifiers: ClinVar variation 3773121 (VCV003773121.2).
Genomic context (GRCh38, chr17:17,226,168, plus strand): 5'-AGCCCACCCAGAGCACCTGGGAGCATGTGGGCTCCCACAGAGACAGGCTCTGTGGCCACA[A>C]GGCTCACCTCACAGCTCAGGCTCCGGACACAGGCCTGGCGGACAATGCTGAAGAGCTGGG-3'

ClinVar aggregate classification (germline): Likely benign. Review status: criteria provided, multiple submitters, no conflicts (2 of 4 stars). 2 submissions from 2 submitters: Likely benign (2). Last evaluated 2025-11-05.

Conditions:
Birt-Hogg-Dube syndrome. Also called: Birt Hogg Dubé syndrome. Identifiers: Orphanet 122, MedGen C0346010, MONDO:0800444.
Birt-Hogg-Dube syndrome 1 (BHD1). Also called: FIBROFOLLICULOMAS WITH TRICHODISCOMAS AND ACROCHORDONS. Identifiers: Orphanet 122, MedGen CN375946, MONDO:0800445, OMIM 135150.

Submissions (2):

Labcorp Genetics (formerly Invitae), Labcorp
Classification: Likely benign for Birt-Hogg-Dube syndrome. Last evaluated: 2025-11-05. Review status: criteria provided, single submitter. Criteria: Invitae Variant Classification Sherloc (09022015). Collection method: clinical testing. Allele origin: germline.

Myriad Genetics, Inc.
Classification: Likely benign for Birt-Hogg-Dube syndrome 1. Last evaluated: 2024-10-22. Review status: criteria provided, single submitter. Criteria: Myriad Autosomal Dominant, Autosomal Recessive and X-Linked Classification Criteria (2023). Collection method: clinical testing. Allele origin: unknown.
Comment: This variant is considered likely benign. This variant is intronic and is not expected to impact mRNA splicing.